The following is an entry in ClinVar:

NM_005732.4(RAD50):c.25A>G (p.Ile9Val)

Gene: RAD50 (RAD50 double strand break repair protein; plus strand). Cytogenetic location: 5q31.1.
Variant type: single nucleotide variant.
Coding change: c.25A>G on transcript NM_005732.4 (MANE Select); coding-DNA position 25, A replaced by G.
Protein change: p.Ile9Val; replaces isoleucine 9 with valine.
Molecular consequence: missense variant.
Genome position (GRCh38, 1-based): chr5:132,557,349, A>G. VCF-style: chr5-132557349-A-G. GRCh37 (hg19) VCF-style: chr5-131893041-A-G.
Other names: short protein forms I9V.
Identifiers: ClinVar variation 2820579 (VCV002820579.3), dbSNP rs1750019317, ClinGen allele CA360950844.

ClinVar aggregate classification (germline): Uncertain significance (1 of 4 stars; one submission).

Conditions:
Hereditary cancer-predisposing syndrome. Also called: Neoplastic Syndromes, Hereditary; Tumor predisposition; Hereditary Cancer Syndrome; Hereditary neoplastic syndrome. Identifiers: Orphanet 140162, MedGen C0027672, MeSH D009386, MONDO:0015356.

Submission:

Labcorp Genetics (formerly Invitae), Labcorp
Classification: Uncertain significance for Hereditary cancer-predisposing syndrome. Last evaluated: 2022-12-13. Review status: criteria provided, single submitter. Criteria: Invitae Variant Classification Sherloc (09022015). Collection method: clinical testing. Allele origin: germline.
Comment: In summary, the available evidence is currently insufficient to determine the role of this variant in disease. Therefore, it has been classified as a Variant of Uncertain Significance. Advanced modeling of protein sequence and biophysical properties (such as structural, functional, and spatial information, amino acid conservation, physicochemical variation, residue mobility, and thermodynamic stability) performed at Invitae indicates that this missense variant is not expected to disrupt RAD50 protein function. This variant has not been reported in the literature in individuals affected with RAD50-related conditions. This variant is not present in population databases (gnomAD no frequency). This sequence change replaces isoleucine, which is neutral and non-polar, with valine, which is neutral and non-polar, at codon 9 of the RAD50 protein (p.Ile9Val).